The following is an entry in ClinVar:

ClinVar aggregate classification (germline): Uncertain significance (1 of 4 stars; one submission).

Submission:

Labcorp Genetics (formerly Invitae), Labcorp
Classification: Uncertain significance. Last evaluated: 2023-12-06. Review status: criteria provided, single submitter. Criteria: Invitae Variant Classification Sherloc (09022015). Collection method: clinical testing. Allele origin: germline.
Comment: This sequence change replaces proline with alanine at codon 36 of the NTHL1 protein (p.Pro36Ala). The proline residue is weakly conserved and there is a small physicochemical difference between proline and alanine. This variant is not present in population databases (gnomAD no frequency). This variant has not been reported in the literature in individuals affected with NTHL1-related conditions. ClinVar contains an entry for this variant (Variation ID: 1380488). Algorithms developed to predict the effect of missense changes on protein structure and function output the following: SIFT: "Not Available"; PolyPhen-2: "Benign"; Align-GVGD: "Not Available". The alanine amino acid residue is found in multiple mammalian species, which suggests that this missense change does not adversely affect protein function. In summary, the available evidence is currently insufficient to determine the role of this variant in disease. Therefore, it has been classified as a Variant of Uncertain Significance.

NM_002528.7(NTHL1):c.82C>G (p.Pro28Ala)

Gene: NTHL1 (nth like DNA glycosylase 1; minus strand). Cytogenetic location: 16p13.3.
Variant type: single nucleotide variant.
Coding change: c.82C>G on transcript NM_002528.7 (MANE Select); coding-DNA position 82, C replaced by G.
Protein change: p.Pro28Ala; replaces proline 28 with alanine.
Molecular consequence: missense variant. On other transcripts: 5 prime UTR variant (1).
Genome position (GRCh38, 1-based): chr16:2,047,742, G>C on the plus strand (C>G on the coding strand, the complement: NTHL1 is on the minus strand). VCF-style: chr16-2047742-G-C. GRCh37 (hg19) VCF-style: chr16-2097743-G-C.
Other names: c.82C>G, p.Pro28Ala (NM_001318193.2); c.-97C>G (NM_001318194.2); short protein forms P28A.
Identifiers: ClinVar variation 1380488 (VCV001380488.6), dbSNP rs1056290046, ClinGen allele CA394298335.
Genomic context (GRCh38, chr16:2,047,742, plus strand): 5'-CACGCTCCAGCCACGGCGCGGCGCTACCTGCTGCAGCCTCTCTTCTCCGGAGAGGCCCGG[G>C]CTCCTCCCTACACCCCCGCGGCCCAGCCCCGGGTCCCAGGCTCCGGCTCCGGGTCAGCAT-3'
Protein context (NP_002519.2, residues 18-38): GAGPRGCREE[Pro28Ala]GPLRRREAAA